The following is an entry in ClinVar:

NM_003072.5(SMARCA4):c.2041A>G (p.Thr681Ala)

Gene: SMARCA4 (SWI/SNF related BAF chromatin remodeling complex subunit ATPase 4; plus strand). Cytogenetic location: 19p13.2.
Variant type: single nucleotide variant.
Coding change: c.2041A>G on transcript NM_003072.5 (MANE Select); coding-DNA position 2041, A replaced by G.
Protein change: p.Thr681Ala; replaces threonine 681 with alanine.
Molecular consequence: missense variant. On other transcripts: non-coding transcript variant (1).
Genome position (GRCh38, 1-based): chr19:11,007,941, A>G. VCF-style: chr19-11007941-A-G. GRCh37 (hg19) VCF-style: chr19-11118617-A-G.
Other names: c.2041A>G, p.Thr681Ala (NM_001128844.3, NM_001128845.2, NM_001128846.2 and 6 more transcripts); short protein forms T681A.
Identifiers: ClinVar variation 5029853 (VCV005029853.1).

ClinVar aggregate classification (germline): Uncertain significance (1 of 4 stars; one submission).

Conditions:
Hereditary cancer-predisposing syndrome. Also called: Neoplastic Syndromes, Hereditary; Tumor predisposition; Hereditary neoplastic syndrome; Hereditary Cancer Syndrome. Identifiers: Orphanet 140162, MedGen C0027672, MeSH D009386, MONDO:0015356.

Submission:

Ambry Genetics
Classification: Uncertain significance for Hereditary cancer-predisposing syndrome. Last evaluated: 2026-07-07. Review status: criteria provided, single submitter. Criteria: Ambry Variant Classification Scheme 2023. Collection method: clinical testing. Allele origin: germline.
Comment: The p.T681A variant (also known as c.2041A>G), located in coding exon 13 of the SMARCA4 gene, results from an A to G substitution at nucleotide position 2041. The threonine at codon 681 is replaced by alanine, an amino acid with similar properties. This amino acid position is conserved. In addition, this alteration is predicted to be tolerated by in silico analysis. Based on the available evidence, the clinical significance of this variant remains unclear.